The following is an entry in ClinVar:

ClinVar aggregate classification (germline): Likely pathogenic (1 of 4 stars; one submission).

Conditions:
Nemaline myopathy. Also called: Myopathies, Nemaline. Identifiers: Orphanet 607, MedGen C0206157, MONDO:0018958.

Submission:

Women's Health and Genetics/Laboratory Corporation of America, LabCorp
Classification: Likely pathogenic for Nemaline myopathy. Last evaluated: 2022-10-31. Review status: criteria provided, single submitter. Criteria: LabCorp Variant Classification Summary - May 2015. Collection method: clinical testing. Allele origin: germline.
Comment: Variant summary: The variant identified by MLPA or other technology involves the deletion of exons 13-81 in the NEB gene. A presumed nomenclature of c.(1035+1_1036-1)_(12330+1_12331-1)del has been designated for the purposes of this classification. Although exact breakpoints of this deletion are not known, it is expected to result in a large in-frame deletion change in the NEB gene, a known mechanism of disease. The variant was absent in 21694 control chromosomes. To our knowledge, no occurrence of c.(1035+1_1036-1)_(12330+1_12331-1)del in individuals affected with Nemaline Myopathy 2 and no experimental evidence demonstrating its impact on protein function have been reported. No clinical diagnostic laboratories have submitted clinical-significance assessments for this variant to ClinVar after 2014. Based on the evidence outlined above, the variant was classified as likely pathogenic.

NC_000002.11:g.(152465191_152466322)_(152563512_152566169)del

Gene: NEB (nebulin; minus strand). Cytogenetic location: 2q23.3.
Variant type: Deletion.
Identifiers: ClinVar variation 1723435 (VCV001723435.1).